The following is an entry in ClinVar:

ClinVar aggregate classification (germline): Benign/Likely benign. Review status: criteria provided, multiple submitters, no conflicts (2 of 4 stars). 6 submissions from 6 submitters: Benign (1); Likely benign (5). Last evaluated 2026-05-12.

Conditions:
Cardiovascular phenotype. Identifiers: MedGen CN230736.

Allele frequency attached by ClinVar (database versions not stated): ExAC 0.00081; ESP Exome Variant Server 0.00225; 1000 Genomes Project 0.00379; 1000 Genomes Project 30x 0.00390.
gnomAD v4.1: 758 of 1,613,346 alleles (0.047%); highest among the groups gnomAD compares: African/African-American, 0.85%; 4 homozygotes.

Submissions (6):

Women's Health and Genetics/Laboratory Corporation of America, LabCorp
Classification: Likely benign. Last evaluated: 2026-05-12. Review status: criteria provided, single submitter. Criteria: LabCorp Variant Classification Summary - May 2015. Collection method: clinical testing. Allele origin: germline.
Comment: Variant summary: TNXB c.8927G>A (p.Arg2976His) results in a non-conservative amino acid change in the encoded protein sequence. Algorithms developed to predict the effect of missense changes on protein structure and function are either unavailable or do not agree on the potential impact of this missense change. The variant allele was found at a frequency of 0.00076 in 244974 control chromosomes, predominantly at a frequency of 0.011 within the African or African-American subpopulation in the gnomAD database. The observed variant frequency within African or African-American control individuals in the gnomAD database exceeds the estimated maximal expected allele frequency for disease-causing variants in TNXB. To our knowledge, no occurrence of c.8927G>A in individuals affected with TNXB-related conditions and no experimental evidence demonstrating its impact on protein function have been reported. ClinVar contains an entry for this variant (Variation ID: 1218111). Based on the evidence outlined above, the variant was classified as likely benign.

Labcorp Genetics (formerly Invitae), Labcorp
Classification: Benign. Last evaluated: 2026-01-24. Review status: criteria provided, single submitter. Criteria: Invitae Variant Classification Sherloc (09022015). Collection method: clinical testing. Allele origin: germline.

Blueprint Genetics
Classification: Likely benign. Last evaluated: 2024-11-12. Review status: criteria provided, single submitter. Criteria: ACMG Guidelines, 2015. Collection method: clinical testing. Allele origin: germline.

GeneDx
Classification: Likely benign. Last evaluated: 2020-11-04. Review status: criteria provided, single submitter. Criteria: GeneDx Variant Classification Process June 2021. Collection method: clinical testing. Allele origin: germline. Affected: yes.
Comment: Has not been previously published as pathogenic or benign to our knowledge; In silico analysis, which includes protein predictors and evolutionary conservation, supports that this variant does not alter protein structure/function

Ambry Genetics
Classification: Likely benign for Cardiovascular phenotype. Last evaluated: 2019-04-29. Review status: criteria provided, single submitter. Criteria: Ambry Variant Classification Scheme 2023. Collection method: clinical testing. Allele origin: germline.

Breakthrough Genomics
Classification: Likely benign. Review status: criteria provided, single submitter. Criteria: ACMG Guidelines, 2015. Collection method: not provided. Allele origin: germline. Inheritance: Autosomal recessive inheritance. Affected: yes.

NM_001365276.2(TNXB):c.8933G>A (p.Arg2978His)

Gene: TNXB (tenascin XB; minus strand). Cytogenetic location: 6p21.33.
Variant type: single nucleotide variant.
Coding change: c.8933G>A on transcript NM_001365276.2 (MANE Select); coding-DNA position 8933, G replaced by A.
Protein change: p.Arg2978His; replaces arginine 2978 with histidine.
Molecular consequence: missense variant.
Genome position (GRCh38, 1-based): chr6:32,052,852, C>T on the plus strand (G>A on the coding strand, the complement: TNXB is on the minus strand). VCF-style: chr6-32052852-C-T. GRCh37 (hg19) VCF-style: chr6-32020629-C-T.
Other names: c.8927G>A, p.Arg2976His (NM_019105.8); short protein forms R2976H, R2978H.
Identifiers: ClinVar variation 1218111 (VCV001218111.8), dbSNP rs201584548, ClinGen allele CA3733702.